The following is an entry in ClinVar:

NM_005918.4(MDH2):c.442A>T (p.Ile148Phe)

Gene: MDH2 (malate dehydrogenase 2; plus strand). Cytogenetic location: 7q11.23.
Variant type: single nucleotide variant.
Coding change: c.442A>T on transcript NM_005918.4 (MANE Select); coding-DNA position 442, A replaced by T.
Protein change: p.Ile148Phe; replaces isoleucine 148 with phenylalanine.
Molecular consequence: missense variant. On other transcripts: intron variant (1).
Genome position (GRCh38, 1-based): chr7:76,060,385, A>T. VCF-style: chr7-76060385-A-T. GRCh37 (hg19) VCF-style: chr7-75689703-A-T.
Other names: c.121A>T, p.Ile41Phe (NM_001282404.2); c.429+2307A>T (NM_001282403.2); short protein forms I148F, I41F.
Identifiers: ClinVar variation 1379043 (VCV001379043.7), dbSNP rs375411208, ClinGen allele CA4305546.

ClinVar aggregate classification (germline): Uncertain significance. Review status: criteria provided, multiple submitters, no conflicts (2 of 4 stars). 3 submissions from 3 submitters: Uncertain significance (3). Last evaluated 2025-03-18.

Conditions:
Inborn genetic diseases. Identifiers: MedGen C0950123, MeSH D030342.

Allele frequency attached by ClinVar (database versions not stated): gnomAD exomes 0.00001 and 0.00004; gnomAD 0.00009 and 0.00012; TOPMed 0.00015; ExAC 0.00002; ESP Exome Variant Server 0.00008.
gnomAD v4.1: 26 of 1,614,014 alleles (0.0016%); highest among the groups gnomAD compares: African/African-American, 0.031%; no homozygotes.

Submissions (3):

Dasa
Classification: Uncertain significance. Last evaluated: 2025-03-18. Review status: criteria provided, single submitter. Criteria: DASA Assertion Criteria. Collection method: clinical testing. Allele origin: germline.
Comment: NM_005918.4(MDH2):c.442A>T (p.Ile148Phe) is a missense variant that results in the substitution of isoleucine with phenylalanine. This variant is rare in population databases. Computational prediction algorithms are consistent with a deleterious effect. The currently available literature and clinical evidence are not sufficient to establish a definitive association between this variant and the reported condition. Therefore, this variant is classified as a variant of uncertain significance.

Ambry Genetics
Classification: Uncertain significance for Inborn genetic diseases. Last evaluated: 2022-10-15. Review status: criteria provided, single submitter. Criteria: Ambry Variant Classification Scheme 2023. Collection method: clinical testing. Allele origin: germline.
Comment: The p.I148F variant (also known as c.442A>T), located in coding exon 5 of the MDH2 gene, results from an A to T substitution at nucleotide position 442. The isoleucine at codon 148 is replaced by phenylalanine, an amino acid with highly similar properties. This amino acid position is conserved. In addition, the in silico prediction for this alteration is inconclusive. Since supporting evidence is limited at this time, the clinical significance of this alteration remains unclear.

Labcorp Genetics (formerly Invitae), Labcorp
Classification: Uncertain significance. Last evaluated: 2022-07-21. Review status: criteria provided, single submitter. Criteria: Invitae Variant Classification Sherloc (09022015). Collection method: clinical testing. Allele origin: germline.
Comment: This sequence change replaces isoleucine, which is neutral and non-polar, with phenylalanine, which is neutral and non-polar, at codon 148 of the MDH2 protein (p.Ile148Phe). This variant is present in population databases (rs375411208, gnomAD 0.05%). This variant has not been reported in the literature in individuals affected with MDH2-related conditions. ClinVar contains an entry for this variant (Variation ID: 1379043). Algorithms developed to predict the effect of missense changes on protein structure and function are either unavailable or do not agree on the potential impact of this missense change (SIFT: "Deleterious"; PolyPhen-2: "Possibly Damaging"; Align-GVGD: "Class C0"). Algorithms developed to predict the effect of sequence changes on RNA splicing suggest that this variant may disrupt the consensus splice site. In summary, the available evidence is currently insufficient to determine the role of this variant in disease. Therefore, it has been classified as a Variant of Uncertain Significance.